The following is an entry in ClinVar:

NM_017491.5(WDR1):c.802G>A (p.Val268Met)

Gene: WDR1 (WD repeat domain 1; minus strand). Cytogenetic location: 4p16.1.
Variant type: single nucleotide variant.
Coding change: c.802G>A on transcript NM_017491.5 (MANE Select); coding-DNA position 802, G replaced by A.
Protein change: p.Val268Met; replaces valine 268 with methionine.
Molecular consequence: missense variant.
Genome position (GRCh38, 1-based): chr4:10,087,856, C>T on the plus strand (G>A on the coding strand, the complement: WDR1 is on the minus strand). VCF-style: chr4-10087856-C-T. GRCh37 (hg19) VCF-style: chr4-10089480-C-T.
Other names: c.382G>A, p.Val128Met (NM_005112.5); c.802G>A (NM_017491.3); short protein forms V268M, V128M.
Identifiers: ClinVar variation 1354319 (VCV001354319.6), dbSNP rs181856199, ClinGen allele CA2857881.
Genomic context (GRCh38, chr4:10,087,856, plus strand): 5'-GCCATAGGCAGCCCAGCTGCTGGTCCAGAACCGTGGAGCCCATGGGAAATGTGCTGACCA[C>T]GGAGTTCACGCTGACGTCCCAAATCTTGGAAGTTTTGTCCCCAGAAGCAGAAAGCAAATG-3'
Protein context (NP_059830.1, residues 258-278): SKIWDVSVNS[Val268Met]VSTFPMGSTV

ClinVar aggregate classification (germline): Uncertain significance. Review status: criteria provided, multiple submitters, no conflicts (2 of 4 stars). 3 submissions from 3 submitters: Uncertain significance (3). Last evaluated 2024-01-04.

Conditions:
Lazy leukocyte syndrome. Identifiers: Orphanet 652522, MedGen C0272174, MONDO:0007883, OMIM 150550.
WDR1-related disorder. Also called: WDR1-related condition.

Allele frequency attached by ClinVar (database versions not stated): ESP Exome Variant Server 0.00016; gnomAD exomes 0.00017; TOPMed 0.00019; gnomAD 0.00024 and 0.00026; ExAC 0.00026; 1000 Genomes Project 30x 0.00125; 1000 Genomes Project 0.00140.
gnomAD v4.1: 372 of 1,572,634 alleles (0.024%); highest among the groups gnomAD compares: Admixed American, 0.082%; no homozygotes.

Submissions (3):

Labcorp Genetics (formerly Invitae), Labcorp
Classification: Uncertain significance. Last evaluated: 2024-01-04. Review status: criteria provided, single submitter. Criteria: Invitae Variant Classification Sherloc (09022015). Collection method: clinical testing. Allele origin: germline.
Comment: This sequence change replaces valine, which is neutral and non-polar, with methionine, which is neutral and non-polar, at codon 268 of the WDR1 protein (p.Val268Met). This variant is present in population databases (rs181856199, gnomAD 0.03%). This variant has not been reported in the literature in individuals affected with WDR1-related conditions. ClinVar contains an entry for this variant (Variation ID: 1354319). An algorithm developed to predict the effect of missense changes on protein structure and function (PolyPhen-2) suggests that this variant¬†is likely to be tolerated. In summary, the available evidence is currently insufficient to determine the role of this variant in disease. Therefore, it has been classified as a Variant of Uncertain Significance.

PreventionGenetics, part of Exact Sciences
Classification: Uncertain significance for WDR1-related condition. Last evaluated: 2022-12-20. Review status: criteria provided, single submitter. Criteria: ACMG Guidelines, 2015. Collection method: clinical testing. Allele origin: germline.
Comment: The WDR1 c.802G>A variant is predicted to result in the amino acid substitution p.Val268Met. To our knowledge, this variant has not been reported in the literature. This variant is reported in 0.039% of alleles in individuals of Latino descent in gnomAD. At this time, the clinical significance of this variant is uncertain due to the absence of conclusive functional and genetic evidence.

Fulgent Genetics
Classification: Uncertain significance for Lazy leukocyte syndrome. Last evaluated: 2021-11-18. Review status: criteria provided, single submitter. Criteria: ACMG Guidelines, 2015. Collection method: clinical testing. Allele origin: unknown.